The following is an entry in ClinVar:

ClinVar aggregate classification (germline): Likely benign (1 of 4 stars; one submission).

Submission:

CeGaT Center for Human Genetics Tuebingen
Classification: Likely benign. Last evaluated: 2024-05-01. Review status: criteria provided, single submitter. Criteria: CeGaT Center For Human Genetics Tuebingen Variant Classification Criteria Version 2. Collection method: clinical testing. Allele origin: germline. Affected: yes. Observed: 2 variant alleles.
Comment: MED13L: PM2:Supporting, BP4, BP7

NM_015335.5(MED13L):c.3129C>T (p.Thr1043=)

Gene: MED13L (mediator complex subunit 13L; minus strand). Cytogenetic location: 12q24.21.
Variant type: single nucleotide variant.
Coding change: c.3129C>T on transcript NM_015335.5 (MANE Select); coding-DNA position 3129, C replaced by T.
Protein change: p.Thr1043=; no amino-acid change (threonine 1043 retained).
Molecular consequence: synonymous variant.
Genome position (GRCh38, 1-based): chr12:115,991,825, G>A on the plus strand (C>T on the coding strand, the complement: MED13L is on the minus strand). VCF-style: chr12-115991825-G-A. GRCh37 (hg19) VCF-style: chr12-116429630-G-A.
Identifiers: ClinVar variation 3239210 (VCV003239210.19), dbSNP rs1157981828.